The following is an entry in ClinVar:

ClinVar aggregate classification (germline): Uncertain significance. Review status: criteria provided, multiple submitters, no conflicts (2 of 4 stars). 2 submissions from 2 submitters: Uncertain significance (2). Last evaluated 2025-05-07.

Conditions:
USH2A-related disorder. Also called: USH2A-related condition; USH2A-related disorders. Identifiers: MedGen CN239332.

Allele frequency attached by ClinVar (database versions not stated): TOPMed below 0.00001; ExAC 0.00001; gnomAD 0.00001; gnomAD exomes 0.00001; 1000 Genomes Project 30x 0.00016; 1000 Genomes Project 0.00020.
gnomAD v4.1: 16 of 1,613,648 alleles (0.00099%); highest among the groups gnomAD compares: African/African-American, 0.0027%; no homozygotes.

Submissions (2):

PreventionGenetics, part of Exact Sciences
Classification: Uncertain significance for USH2A-related condition. Last evaluated: 2025-05-07. Review status: criteria provided, single submitter. Criteria: ACMG Guidelines, 2015. Collection method: clinical testing. Allele origin: germline.
Comment: The USH2A c.7505C>T variant is predicted to result in the amino acid substitution p.Pro2502Leu. To our knowledge, this variant has not been reported in the literature. This variant is reported in 0.012% of alleles in individuals of African descent in gnomAD. At this time, the clinical significance of this variant is uncertain due to the absence of conclusive functional and genetic evidence.

Labcorp Genetics (formerly Invitae), Labcorp
Classification: Uncertain significance. Last evaluated: 2022-05-25. Review status: criteria provided, single submitter. Criteria: Invitae Variant Classification Sherloc (09022015). Collection method: clinical testing. Allele origin: germline.
Comment: This sequence change replaces proline, which is neutral and non-polar, with leucine, which is neutral and non-polar, at codon 2502 of the USH2A protein (p.Pro2502Leu). This variant is present in population databases (rs562509661, gnomAD 0.01%). This missense change has been observed in individual(s) with clinical features of retinitis pigmentosa (Invitae). Algorithms developed to predict the effect of missense changes on protein structure and function (SIFT, PolyPhen-2, Align-GVGD) all suggest that this variant is likely to be disruptive. In summary, the available evidence is currently insufficient to determine the role of this variant in disease. Therefore, it has been classified as a Variant of Uncertain Significance.

NM_206933.4(USH2A):c.7505C>T (p.Pro2502Leu)

Gene: USH2A (usherin; minus strand). Cytogenetic location: 1q41.
Variant type: single nucleotide variant.
Coding change: c.7505C>T on transcript NM_206933.4 (MANE Select); coding-DNA position 7505, C replaced by T.
Protein change: p.Pro2502Leu; replaces proline 2502 with leucine.
Molecular consequence: missense variant.
Genome position (GRCh38, 1-based): chr1:215,900,164, G>A on the plus strand (C>T on the coding strand, the complement: USH2A is on the minus strand). VCF-style: chr1-215900164-G-A. GRCh37 (hg19) VCF-style: chr1-216073506-G-A.
Other names: c.7505C>T (NM_206933.2); short protein forms P2502L.
Identifiers: ClinVar variation 2415977 (VCV002415977.4), dbSNP rs562509661, ClinGen allele CA1394818.